The following is an entry in ClinVar:

ClinVar aggregate classification (germline): Uncertain significance. Review status: criteria provided, multiple submitters, no conflicts (2 of 4 stars). 2 submissions from 2 submitters: Uncertain significance (2). Last evaluated 2024-11-25.

Conditions:
Pancreatic adenocarcinoma. Identifiers: MedGen C0281361, MONDO:0006047, HP:0006725.

Allele frequency attached by ClinVar (database versions not stated): gnomAD 0.00002; TOPMed 0.00002.
gnomAD v4.1: 25 of 1,613,876 alleles (0.0015%); highest among the groups gnomAD compares: African/African-American, 0.0053%; no homozygotes.

Submissions (2):

Ambry Genetics
Classification: Uncertain significance. Last evaluated: 2024-11-25. Review status: criteria provided, single submitter. Criteria: Ambry Variant Classification Scheme 2023. Collection method: clinical testing. Allele origin: germline.
Comment: The p.I526T variant (also known as c.1577T>C), located in coding exon 9 of the PALLD gene, results from a T to C substitution at nucleotide position 1577. The isoleucine at codon 526 is replaced by threonine, an amino acid with similar properties. This amino acid position is conserved. In addition, this alteration is predicted to be tolerated by in silico analysis. Based on the available evidence, the clinical significance of this variant remains unclear.

Labcorp Genetics (formerly Invitae), Labcorp
Classification: Uncertain significance for Pancreatic adenocarcinoma. Last evaluated: 2024-01-31. Review status: criteria provided, single submitter. Criteria: Invitae Variant Classification Sherloc (09022015). Collection method: clinical testing. Allele origin: germline.
Comment: This sequence change replaces isoleucine, which is neutral and non-polar, with threonine, which is neutral and polar, at codon 526 of the PALLD protein (p.Ile526Thr). This variant is present in population databases (rs774078101, gnomAD 0.007%). This variant has not been reported in the literature in individuals affected with PALLD-related conditions. ClinVar contains an entry for this variant (Variation ID: 1491207). An algorithm developed to predict the effect of missense changes on protein structure and function (PolyPhen-2) suggests that this variant is likely to be tolerated. In summary, the available evidence is currently insufficient to determine the role of this variant in disease. Therefore, it has been classified as a Variant of Uncertain Significance.

NM_001166108.2(PALLD):c.3089T>C (p.Ile1030Thr)

Genes: CBR4 (carbonyl reductase 4; minus strand), PALLD (palladin, cytoskeletal associated protein; plus strand). Cytogenetic location: 4q32.3.
Variant type: single nucleotide variant.
Coding change: c.3089T>C on transcript NM_001166108.2 (MANE Select); coding-DNA position 3089, T replaced by C.
Protein change: p.Ile1030Thr; replaces isoleucine 1030 with threonine.
Molecular consequence: missense variant.
Genome position (GRCh38, 1-based): chr4:168,924,285, T>C. VCF-style: chr4-168924285-T-C. GRCh37 (hg19) VCF-style: chr4-169845436-T-C.
Other names: c.1577T>C (NM_001166110.1); c.1892T>C, p.Ile631Thr (NM_001166109.2); c.1577T>C, p.Ile526Thr (NM_001166110.2); c.917T>C, p.Ile306Thr (NM_001367567.1, NM_001367569.1); c.968T>C, p.Ile323Thr (NM_001367568.1, NM_001367570.1); c.3038T>C, p.Ile1013Thr (NM_016081.4); short protein forms I526T, I1013T, I306T, I323T, I631T, I1030T.
Identifiers: ClinVar variation 1491207 (VCV001491207.9), dbSNP rs774078101, ClinGen allele CA3136041.